The following is an entry in ClinVar:

ClinVar aggregate classification (germline): Uncertain significance. Review status: criteria provided, multiple submitters, no conflicts (2 of 4 stars). 2 submissions from 2 submitters: Uncertain significance (2). Last evaluated 2024-01-03.

Conditions:
Symmetrical dyschromatosis of extremities (DSH). Also called: SYMMETRIC DYSCHROMATOSIS OF THE EXTREMITIES; Dyschromatosis symmetrica hereditaria; DYSCHROMATOSIS SYMMETRICA HEREDITARIA 1; RETICULATE ACROPIGMENTATION OF DOHI. Identifiers: Orphanet 41, MedGen C0406775, MONDO:0007483, OMIM 127400.
Aicardi-Goutieres syndrome 6 (AGS6). Identifiers: Orphanet 51, MedGen C3539013, MONDO:0014007, OMIM 615010.
Inborn genetic diseases. Identifiers: MedGen C0950123, MeSH D030342.

Submissions (2):

Ambry Genetics
Classification: Uncertain significance for Inborn genetic diseases. Last evaluated: 2024-01-03. Review status: criteria provided, single submitter. Criteria: Ambry Variant Classification Scheme 2023. Collection method: clinical testing. Allele origin: germline.

Labcorp Genetics (formerly Invitae), Labcorp
Classification: Uncertain significance for Aicardi-Goutieres syndrome 6; Symmetrical dyschromatosis of extremities. Last evaluated: 2020-06-22. Review status: criteria provided, single submitter. Criteria: Invitae Variant Classification Sherloc (09022015). Collection method: clinical testing. Allele origin: germline.
Comment: In summary, the available evidence is currently insufficient to determine the role of this variant in disease. Therefore, it has been classified as a Variant of Uncertain Significance. Algorithms developed to predict the effect of sequence changes on RNA splicing suggest that this variant may create or strengthen a splice site, but this prediction has not been confirmed by published transcriptional studies. Algorithms developed to predict the effect of missense changes on protein structure and function (SIFT, PolyPhen-2, Align-GVGD) all suggest that this variant is likely to be tolerated, but these predictions have not been confirmed by published functional studies and their clinical significance is uncertain. This variant has not been reported in the literature in individuals with ADAR-related conditions. This sequence change replaces lysine with glutamine at codon 944 of the ADAR protein (p.Lys944Gln). The lysine residue is weakly conserved and there is a small physicochemical difference between lysine and glutamine. This variant is not present in population databases (ExAC no frequency).

NM_001111.5(ADAR):c.2830A>C (p.Lys944Gln)

Gene: ADAR (adenosine deaminase RNA specific; minus strand). Cytogenetic location: 1q21.3.
Variant type: single nucleotide variant.
Coding change: c.2830A>C on transcript NM_001111.5 (MANE Select); coding-DNA position 2830, A replaced by C.
Protein change: p.Lys944Gln; replaces lysine 944 with glutamine.
Molecular consequence: missense variant.
Genome position (GRCh38, 1-based): chr1:154,588,606, T>G on the plus strand (A>C on the coding strand, the complement: ADAR is on the minus strand). VCF-style: chr1-154588606-T-G. GRCh37 (hg19) VCF-style: chr1-154561082-T-G.
Other names: c.1945A>C, p.Lys649Gln (NM_001025107.3, NM_001193495.2, NM_001365046.1 and 2 more transcripts); c.2857A>C, p.Lys953Gln (NM_001365045.1); c.1867A>C, p.Lys623Gln (NM_001365049.1); c.2752A>C, p.Lys918Gln (NM_015840.4); c.2695A>C, p.Lys899Gln (NM_015841.4); short protein forms K623Q, K649Q, K899Q, K918Q, K944Q, K953Q.
Identifiers: ClinVar variation 971228 (VCV000971228.12), dbSNP rs373564780, ClinGen allele CA342636352.